The following is an entry in ClinVar:

ClinVar aggregate classification (germline): Conflicting classifications of pathogenicity. Review status: criteria provided, conflicting classifications (1 of 4 stars). 5 submissions from 5 submitters: Uncertain significance (1); Likely benign (3). 1 of the submissions does not count toward it. Last evaluated 2026-01-20.

Conditions:
ZNF469-related disorder. Also called: ZNF469-related condition.
Cardiovascular phenotype. Identifiers: MedGen CN230736.

Allele frequency attached by ClinVar (database versions not stated): TOPMed 0.00001; gnomAD 0.00013; gnomAD exomes 0.00013 and 0.00032; ExAC 0.00073; 1000 Genomes Project 0.00140; 1000 Genomes Project 30x 0.00141.
gnomAD v4.1: 206 of 1,550,366 alleles (0.013%); highest among the groups gnomAD compares: South Asian, 0.24%; 1 homozygote.

Submissions (5):

Labcorp Genetics (formerly Invitae), Labcorp
Classification: Likely benign. Last evaluated: 2026-01-20. Review status: criteria provided, single submitter. Criteria: Invitae Variant Classification Sherloc (09022015). Collection method: clinical testing. Allele origin: germline.

Women's Health and Genetics/Laboratory Corporation of America, LabCorp
Classification: Likely benign. Last evaluated: 2025-02-24. Review status: criteria provided, single submitter. Criteria: LabCorp Variant Classification Summary - May 2015. Collection method: clinical testing. Allele origin: germline.
Comment: Variant summary: ZNF469 c.7321C>T (p.Pro2441Ser) results in a non-conservative amino acid change in the encoded protein sequence. Three of four in-silico tools predict a benign effect of the variant on protein function. The variant allele was found at a frequency of 0.00013 in 1550366 control chromosomes, predominantly at a frequency of 0.0024 within the South Asian subpopulation in the gnomAD database (v4), including 1 homozygotes. To our knowledge, no occurrence of c.7321C>T in individuals affected with Brittle cornea syndrome 1 and no experimental evidence demonstrating its impact on protein function have been reported. ClinVar contains an entry for this variant (Variation ID: 1200236). Based on the evidence outlined above, the variant was classified as likely benign.

Ambry Genetics
Classification: Likely benign for Cardiovascular phenotype. Last evaluated: 2024-08-20. Review status: criteria provided, single submitter. Criteria: Ambry Variant Classification Scheme 2023. Collection method: clinical testing. Allele origin: germline.

GeneDx
Classification: Uncertain significance. Last evaluated: 2020-01-28. Review status: criteria provided, single submitter. Criteria: GeneDx Variant Classification Process June 2021. Collection method: clinical testing. Allele origin: germline. Affected: yes.
Comment: Has not been previously published as pathogenic or benign to our knowledge; In silico analysis, which includes protein predictors and evolutionary conservation, supports that this variant does not alter protein structure/function

PreventionGenetics, part of Exact Sciences
Classification: Likely benign for ZNF469-related condition. Last evaluated: 2024-07-02. Review status: no assertion criteria provided. Collection method: clinical testing. Allele origin: germline. Not counted in ClinVar's aggregate classification.
Comment: This variant is classified as likely benign based on ACMG/AMP sequence variant interpretation guidelines (Richards et al. 2015 PMID: 25741868, with internal and published modifications).

NM_001367624.2(ZNF469):c.7321C>T (p.Pro2441Ser)

Gene: ZNF469 (zinc finger protein 469; plus strand). Cytogenetic location: 16q24.2.
Variant type: single nucleotide variant.
Coding change: c.7321C>T on transcript NM_001367624.2 (MANE Select); coding-DNA position 7321, C replaced by T.
Protein change: p.Pro2441Ser; replaces proline 2441 with serine.
Molecular consequence: missense variant.
Genome position (GRCh38, 1-based): chr16:88,434,791, C>T. VCF-style: chr16-88434791-C-T. GRCh37 (hg19) VCF-style: chr16-88501199-C-T.
Other names: NM_001127464.1:c.7237C>T; NM_001127464.2:c.7237C>T; short protein forms P2441S.
Identifiers: ClinVar variation 1200236 (VCV001200236.11), dbSNP rs546137802, ClinGen allele CA8225236.